The following is an entry in ClinVar:

ClinVar aggregate classification (germline): Pathogenic/Likely pathogenic. Review status: criteria provided, multiple submitters, no conflicts (2 of 4 stars). 17 submissions from 17 submitters: Pathogenic (11); Likely pathogenic (5). 1 of the submissions does not count toward it. Last evaluated 2026-07-09.

Conditions:
Jervell and Lange-Nielsen syndrome (JLNS). Also called: Jervell-Lange Nielsen syndrome. Identifiers: Orphanet 90647, MedGen C0022387, MONDO:0002441.
KCNQ1-related disorder. Also called: KCNQ1-related condition; KCNQ1-related disorders. Identifiers: MedGen CN239322.
Cardiovascular phenotype. Identifiers: MedGen CN230736.
Cardiac arrhythmia. Also called: Arrhythmia; Cardiac rhythm disease. Identifiers: MedGen C0003811, MONDO:0007263, HP:0011675.
Familial long QT syndrome (RWS). Also called: Congenital long QT syndrome; Romano-Ward syndrome; VENTRICULAR FIBRILLATION WITH PROLONGED QT INTERVAL. Identifiers: Orphanet 768, MedGen C1141890, MONDO:0019171.
Atrial fibrillation, familial, 3 (ATFB3). Identifiers: MedGen C1837014, MONDO:0011857, OMIM 607554.
Long QT syndrome 1 (LQT1). Identifiers: Orphanet 101016, Orphanet 768, MedGen C4551647, MONDO:0100316, OMIM 192500, MONDO:0008646.
Beckwith-Wiedemann syndrome (BWS). Also called: Exomphalos macroglossia gigantism syndrome; EMG SYNDROME. Identifiers: Orphanet 116, MedGen C0004903, MONDO:0007534, OMIM 130650.
Jervell and Lange-Nielsen syndrome 1 (JLNS1). Also called: CARDIOAUDITORY SYNDROME OF JERVELL AND LANGE-NIELSEN; DEAFNESS, CONGENITAL, AND FUNCTIONAL HEART DISEASE; PROLONGED QT INTERVAL IN EKG AND SUDDEN DEATH; SURDO-CARDIAC SYNDROME. Identifiers: Orphanet 768, Orphanet 90647, MedGen C4551509, MONDO:0024540, OMIM 220400.
Short QT syndrome type 2. Identifiers: Orphanet 51083, MedGen C1865019, MONDO:0012313, OMIM 609621.
Long QT syndrome (LQTS). Identifiers: MedGen C0023976, MeSH D008133, MONDO:0002442. Disease mechanism: loss of function. Inheritance: Various modes of inheritance.

Allele frequency attached by ClinVar (database versions not stated): gnomAD exomes 0.00001; gnomAD 0.00001; ExAC 0.00002.

Submissions 1 to 7 of 17:

Victorian Clinical Genetics Services, Murdoch Childrens Research Institute
Classification: Pathogenic for Long QT syndrome 1. Last evaluated: 2026-07-09. Review status: criteria provided, single submitter. Criteria: ACMG Guidelines, 2015. Collection method: clinical testing. Allele origin: germline. Affected: no.
Comment: This variant is classified as Pathogenic. Evidence in support of pathogenic classification: This variant is present in gnomAD <0.01 (v4: 12 heterozygote(s), 0 homozygote(s)); This variant has strong previous evidence of pathogenicity in unrelated individuals. This variant has been classified as pathogenic/likely pathogenic by many clinical laboratories in ClinVar, and has been reported in the literature in individuals with LQTS and JNLS (PMIDs: 39940965, 24372464); Missense variant predicted to be damaging by in silico tool(s) and/or highly conserved with a major amino acid change. Additional information: This variant is predicted to result in a missense amino acid change from Asp to Asn; This gene is associated with both recessive and dominant disease. JLNS is characterised by congenital, bilateral deafness and variable degrees of QT prolongation, and is the only condition caused by biallelic variants (PMID: 28438721); Variant is located in the annotated ion transport protein domain (DECIPHER); Dominant negative, loss of function and gain of function are known mechanisms of disease in this gene. Gain of function variants result exclusively in short QT syndrome 2 (MIM#609621), while dominant negative and loss of function variants can cause long QT syndrome 1 (LQTS, MIM#192500), familial atrial fibrillation 3 (MIM#607554) as well as Jervell and Lange-Nielsen syndrome (JLNS, MIM#220400) (OMIM, PMIDs: 19632626, 28438721); The condition associated with this gene has incomplete penetrance (OMIM, PMID: 20301308).

GeneDx
Classification: Likely pathogenic. Last evaluated: 2026-01-04. Review status: criteria provided, single submitter. Criteria: GeneDx Variant Classification Process June 2021. Collection method: clinical testing. Allele origin: germline. Affected: yes.
Comment: Identified in the heterozygous state in unrelated patients with LQTS referred for genetic testing at GeneDx and in published literature (PMID: 19716085, 12051962, 34505893, 20421371, 39940965); Observed in the compound heterozygous and homozygous states in patients with Jervell and Lange-Nielsen syndrome (JLNS) in published literature (PMID: 24372464, 12051962); Not observed at significant frequency in large population cohorts (gnomAD); Published functional studies suggest a damaging effect with reduction of the potassium current during the cardiac action potential (PMID: 20421371); In silico analysis supports that this missense variant has a deleterious effect on protein structure/function; This variant is associated with the following publications: (PMID: 19862833, 12653681, 25525159, 19716085, 28438721, 32048431, 31737537, 31565860, 34426522, 31589614, 32096762, 33990467, 34135346, 12051962, 34860437, 34505893, 23392653, 32893267, Petchesi2024[Case report], 27920829, 38392255, 24372464, 39940965, 20421371)

Variantyx, Inc.
Classification: Pathogenic for Long QT syndrome 1. Last evaluated: 2025-10-30. Review status: criteria provided, single submitter. Criteria: Variantyx Assertion Criteria 2022. Collection method: clinical testing. Allele origin: germline. Inheritance: Autosomal dominant inheritance. Affected: yes.
Comment: This is a nonsynonymous variant in the KCNQ1 gene (OMIM: 607542). Pathogenic variants in this gene have been associated with autosomal dominant long QT syndrome 1. This variant has been reported in several unrelated affected individuals (PMID: 19716085, 31737537, 31589614) (PS4). Functional studies have shown that this variant alters KCNQ1 protein function (PMID: 20421371) (PS3). Alternate amino acid change(s) at this position (p.Asp202Gly, p.Asp202His) have been previously reported in similarly affected individuals, which suggests that this residue is biologically important (PMID: 20421371) (PM5). Multiple computational algorithms predict a deleterious effect for this variant (REVEL score: 0.935) (PP3). This variant has a 0.0017% maximum allele frequency in non-founder control populations (PM2). Based on the current evidence, this variant is classified as pathogenic for autosomal dominant long QT syndrome 1.

Labcorp Genetics (formerly Invitae), Labcorp
Classification: Pathogenic for Long QT syndrome. Last evaluated: 2025-09-15. Review status: criteria provided, single submitter. Criteria: Invitae Variant Classification Sherloc (09022015). Collection method: clinical testing. Allele origin: germline.
Comment: This sequence change replaces aspartic acid, which is acidic and polar, with asparagine, which is neutral and polar, at codon 202 of the KCNQ1 protein (p.Asp202Asn). This variant also falls at the last nucleotide of exon 3, which is part of the consensus splice site for this exon. This variant is present in population databases (rs199472702, gnomAD 0.003%). This missense change has been observed in individual(s) with Jervell and Lange-Nielsen syndrome and/or long QT syndrome (PMID: 12051962, 19716085, 24372464, 31737537, 34860437). In at least one individual the data is consistent with being in trans (on the opposite chromosome) from a pathogenic variant. ClinVar contains an entry for this variant (Variation ID: 53077). Invitae Evidence Modeling of protein sequence and biophysical properties (such as structural, functional, and spatial information, amino acid conservation, physicochemical variation, residue mobility, and thermodynamic stability) indicates that this missense variant is expected to disrupt KCNQ1 protein function with a positive predictive value of 95%. Experimental studies have shown that this missense change affects KCNQ1 function (PMID: 20421371). Variants that disrupt the consensus splice site are a relatively common cause of aberrant splicing (PMID: 17576681, 9536098). Algorithms developed to predict the effect of sequence changes on RNA splicing suggest that this variant may disrupt the consensus splice site. For these reasons, this variant has been classified as Pathogenic.

Ambry Genetics
Classification: Pathogenic for Cardiovascular phenotype. Last evaluated: 2025-08-05. Review status: criteria provided, single submitter. Criteria: Ambry Variant Classification Scheme 2023. Collection method: clinical testing. Allele origin: germline.
Comment: The p.D202N pathogenic mutation (also known as c.604G>A), located in coding exon 3 of the KCNQ1 gene, results from a G to A substitution at nucleotide position 604. The amino acid change results in aspartic acid to asparagine at codon 202, an amino acid with highly similar properties. However, this change occurs in the last base pair of coding exon 3, which makes it likely to have some effect on normal mRNA splicing. This alteration has been detected in the heterozygous state in individuals with QT prolongation or borderline QT prolongation, and in the homozygous and compound heterozygous state in individuals with Jervell and Lange-Nielsen syndrome (JLNS) (Wang Z et al. Mol Genet Metab. 2002;75:308-16; Al-Aama JY. Clin Genet. 2015;87(1):74-9). In functional in vitro analyses, this alteration demonstrated adverse affects on the current amplitude and cardiac action potential of the voltage-gated potassium ion channel (Eldstrom J et al. J Gen Physiol. 2010;135:433-48). This nucleotide position is highly conserved in available vertebrate species. This amino acid position is highly conserved in available vertebrate species. In silico splice site analysis for this alteration is inconclusive. In addition, as a missense substitution this is predicted to be deleterious by in silico analysis. Based on the supporting evidence, this variant is interpreted as a disease-causing mutation.

Clinical Genetics Laboratory, Region Ostergotland
Classification: Pathogenic for Long QT syndrome 1. Last evaluated: 2024-11-13. Review status: criteria provided, single submitter. Criteria: ACMG Guidelines, 2015. Collection method: clinical testing. Allele origin: germline. Affected: yes.
Comment: The following ACMG/AMP criteria were applied in classifying this variant: PS4_moderate, PM1, PP3_strong, PS3_moderate

Blueprint Genetics
Classification: Pathogenic for KCNQ1-related disorders. Last evaluated: 2024-02-28. Review status: criteria provided, single submitter. Criteria: ACMG Guidelines, 2015. Collection method: clinical testing. Allele origin: germline. Affected: yes. Observed: 3 variant alleles.

NM_000218.3(KCNQ1):c.604G>A (p.Asp202Asn)

Gene: KCNQ1 (potassium voltage-gated channel subfamily Q member 1; plus strand). Cytogenetic location: 11p15.5.
Variant type: single nucleotide variant.
Coding change: c.604G>A on transcript NM_000218.3 (MANE Select); coding-DNA position 604, G replaced by A.
Protein change: p.Asp202Asn; replaces aspartic acid 202 with asparagine.
Molecular consequence: missense variant.
Genome position (GRCh38, 1-based): chr11:2,570,754, G>A. VCF-style: chr11-2570754-G-A. GRCh37 (hg19) VCF-style: chr11-2591984-G-A.
Other names: p.D202N:GAC>AAC; c.604G>A (LRG_287t1); c.604G>A, p.Asp202Asn (NM_001406836.1); c.334G>A, p.Asp112Asn (NM_001406837.1); c.223G>A, p.Asp75Asn (NM_181798.2); short protein forms D202N, D75N, D112N.
Identifiers: ClinVar variation 53077 (VCV000053077.64), dbSNP rs199472702, ClinGen allele CA007717.